The following is an entry in ClinVar:

NM_000562.3(C8A):c.925A>G (p.Met309Val)

Gene: C8A (complement C8 alpha chain; plus strand). Cytogenetic location: 1p32.2.
Variant type: single nucleotide variant.
Coding change: c.925A>G on transcript NM_000562.3 (MANE Select); coding-DNA position 925, A replaced by G.
Protein change: p.Met309Val; replaces methionine 309 with valine.
Molecular consequence: missense variant.
Genome position (GRCh38, 1-based): chr1:56,885,996, A>G. VCF-style: chr1-56885996-A-G. GRCh37 (hg19) VCF-style: chr1-57351669-A-G.
Other names: short protein forms M309V.
Identifiers: ClinVar variation 1508636 (VCV001508636.5), dbSNP rs765750603, ClinGen allele CA875204.

ClinVar aggregate classification (germline): Uncertain significance (1 of 4 stars; one submission).

Allele frequency attached by ClinVar (database versions not stated): ExAC 0.00001; gnomAD exomes 0.00001 and 0.00004.
gnomAD v4.1: 63 of 1,613,970 alleles (0.0039%); highest among the groups gnomAD compares: Non-Finnish European, 0.0053%; no homozygotes.

Submission:

Labcorp Genetics (formerly Invitae), Labcorp
Classification: Uncertain significance. Last evaluated: 2021-09-24. Review status: criteria provided, single submitter. Criteria: Invitae Variant Classification Sherloc (09022015). Collection method: clinical testing. Allele origin: germline.
Comment: This sequence change replaces methionine with valine at codon 309 of the C8A protein (p.Met309Val). The methionine residue is weakly conserved and there is a small physicochemical difference between methionine and valine. This variant is present in population databases (rs765750603, ExAC 0.002%). This variant has not been reported in the literature in individuals with C8A-related conditions. Algorithms developed to predict the effect of missense changes on protein structure and function output the following: SIFT: "Tolerated"; PolyPhen-2: "Benign"; Align-GVGD: "Class C0". The valine amino acid residue is found in multiple mammalian species, suggesting that this missense change does not adversely affect protein function. These predictions have not been confirmed by published functional studies and their clinical significance is uncertain. In summary, the available evidence is currently insufficient to determine the role of this variant in disease. Therefore, it has been classified as a Variant of Uncertain Significance.